The following is an entry in ClinVar:

NM_005422.4(TECTA):c.5161G>A (p.Gly1721Ser)

Genes: TBCEL-TECTA (TBCEL-TECTA readthrough; plus strand), TECTA (tectorin alpha; plus strand). Cytogenetic location: 11q23.3.
Variant type: single nucleotide variant.
Coding change: c.5161G>A on transcript NM_005422.4 (MANE Select); coding-DNA position 5161, G replaced by A.
Protein change: p.Gly1721Ser; replaces glycine 1721 with serine.
Molecular consequence: missense variant.
Genome position (GRCh38, 1-based): chr11:121,162,259, G>A. VCF-style: chr11-121162259-G-A. GRCh37 (hg19) VCF-style: chr11-121032968-G-A.
Other names: c.6103G>A, p.Gly2035Ser (NM_001378761.1); short protein forms G1721S, G2035S.
Identifiers: ClinVar variation 2288001 (VCV002288001.3), dbSNP rs146481835, ClinGen allele CA229847741.
Genomic context (GRCh38, chr11:121,162,259, plus strand): 5'-TTCCAGCCCTGCTATGGGCTTCTCGATCCCCTCCCATTCTACGAGTCCTGCTACCTGGAC[G>A]GCTGCTACAGCCACAAGAAGTTCCAGCTGTGCGGCTCCCTGGCCGCCTACGGGGAGGCCT-3'
Protein context (NP_005413.2, residues 1711-1731): LPFYESCYLD[Gly1721Ser]CYSHKKFQLC

ClinVar aggregate classification (germline): Uncertain significance. Review status: criteria provided, multiple submitters, no conflicts (2 of 4 stars). 2 submissions from 2 submitters: Uncertain significance (2). Last evaluated 2026-03-07.

Conditions:
Inborn genetic diseases. Identifiers: MedGen C0950123, MeSH D030342.
TECTA-related disorder. Also called: TECTA-related condition.

Allele frequency attached by ClinVar (database versions not stated): gnomAD exomes 0.00001; TOPMed 0.00003; gnomAD 0.00004; ESP Exome Variant Server 0.00015.
gnomAD v4.1: 15 of 1,613,944 alleles (0.00093%); highest among the groups gnomAD compares: Admixed American, 0.0033%; no homozygotes.

Submissions (2):

PreventionGenetics, part of Exact Sciences
Classification: Uncertain significance for TECTA-related condition. Last evaluated: 2026-03-07. Review status: criteria provided, single submitter. Criteria: ACMG Guidelines, 2015. Collection method: clinical testing. Allele origin: germline.
Comment: The TECTA c.5161G>A variant is predicted to result in the amino acid substitution p.Gly1721Ser. To our knowledge, this variant has not been reported in the literature. This variant is reported in 0.0029% of alleles in individuals of Latino descent in gnomAD. At this time, the clinical significance of this variant is uncertain due to the absence of conclusive functional and genetic evidence.

Ambry Genetics
Classification: Uncertain significance for Inborn genetic diseases. Last evaluated: 2022-05-09. Review status: criteria provided, single submitter. Criteria: Ambry Variant Classification Scheme 2023. Collection method: clinical testing. Allele origin: germline.